The following is an entry in ClinVar:

NM_001042492.3(NF1):c.2220G>T (p.Glu740Asp)

Gene: NF1 (neurofibromin 1; plus strand). Cytogenetic location: 17q11.2.
Variant type: single nucleotide variant.
Coding change: c.2220G>T on transcript NM_001042492.3 (MANE Select); coding-DNA position 2220, G replaced by T.
Protein change: p.Glu740Asp; replaces glutamic acid 740 with aspartic acid.
Molecular consequence: missense variant.
Genome position (GRCh38, 1-based): chr17:31,226,653, G>T. VCF-style: chr17-31226653-G-T. GRCh37 (hg19) VCF-style: chr17-29553671-G-T.
Other names: c.2220G>T, p.Glu740Asp (NM_000267.4); short protein forms E740D.
Identifiers: ClinVar variation 1036343 (VCV001036343.7), dbSNP rs2067020397, ClinGen allele CA398982527.
Genomic context (GRCh38, chr17:31,226,653, plus strand): 5'-GTGTGGGGTGGATGAAGTGTCAGTGCATAACCTCTTGCCCAACTATAACACATTCATGGA[G>T]TTTGCCTCTGTCAGCAATATGATGTCAACAGGTAAATGTGAATAGTGGTTTTTTTTACTC-3'
Protein context (NP_001035957.1, residues 730-750): NLLPNYNTFM[Glu740Asp]FASVSNMMST

ClinVar aggregate classification (germline): Uncertain significance. Review status: criteria provided, multiple submitters, no conflicts (2 of 4 stars). 2 submissions from 2 submitters: Uncertain significance (2). Last evaluated 2025-05-27.

Conditions:
Neurofibromatosis, type 1 (NF1). Also called: NEUROFIBROMATOSIS, TYPE I, SOMATIC; VON RECKLINGHAUSEN DISEASE; Peripheral type neurofibromatosis; Neurofibromatosis, type I. Identifiers: Orphanet 636, MedGen C0027831, MONDO:0018975, OMIM 162200. Disease mechanism: loss of function.
Hereditary cancer-predisposing syndrome. Also called: Neoplastic Syndromes, Hereditary; Hereditary Cancer Syndrome; Tumor predisposition; Hereditary neoplastic syndrome. Identifiers: Orphanet 140162, MedGen C0027672, MeSH D009386, MONDO:0015356.
Cardiovascular phenotype. Identifiers: MedGen CN230736.

Submissions (2):

Labcorp Genetics (formerly Invitae), Labcorp
Classification: Uncertain significance for Neurofibromatosis, type 1. Last evaluated: 2025-05-27. Review status: criteria provided, single submitter. Criteria: Invitae Variant Classification Sherloc (09022015). Collection method: clinical testing. Allele origin: germline.
Comment: This sequence change replaces glutamic acid, which is acidic and polar, with aspartic acid, which is acidic and polar, at codon 740 of the NF1 protein (p.Glu740Asp). This variant is not present in population databases (gnomAD no frequency). This variant has not been reported in the literature in individuals affected with NF1-related conditions. ClinVar contains an entry for this variant (Variation ID: 1036343). Invitae Evidence Modeling of protein sequence and biophysical properties (such as structural, functional, and spatial information, amino acid conservation, physicochemical variation, residue mobility, and thermodynamic stability) indicates that this missense variant is not expected to disrupt NF1 protein function with a negative predictive value of 95%. In summary, the available evidence is currently insufficient to determine the role of this variant in disease. Therefore, it has been classified as a Variant of Uncertain Significance.

Ambry Genetics
Classification: Uncertain significance for Cardiovascular phenotype; Hereditary cancer-predisposing syndrome. Last evaluated: 2019-10-14. Review status: criteria provided, single submitter. Criteria: Ambry Variant Classification Scheme 2023. Collection method: clinical testing. Allele origin: germline.
Comment: The p.E740D variant (also known as c.2220G>T), located in coding exon 18 of the NF1 gene, results from a G to T substitution at nucleotide position 2220. The glutamic acid at codon 740 is replaced by aspartic acid, an amino acid with highly similar properties. This amino acid position is highly conserved in available vertebrate species. In addition, the in silico prediction for this alteration is inconclusive. Since supporting evidence is limited at this time, the clinical significance of this alteration remains unclear.